The following is an entry in ClinVar:

ClinVar aggregate classification (germline): Uncertain significance (1 of 4 stars; one submission).

Conditions:
Hereditary sensory and autonomic neuropathy type 7. Also called: Neuropathy, hereditary sensory and autonomic, type VII; HSAN VII. Identifiers: Orphanet 391397, MedGen C3809882, MONDO:0014244, OMIM 615548.
Familial episodic pain syndrome with predominantly lower limb involvement. Also called: Episodic pain syndrome, familial, 3. Identifiers: Orphanet 391384, Orphanet 391392, MedGen C3809899, MONDO:0014247, OMIM 615552.

Submission:

Labcorp Genetics (formerly Invitae), Labcorp
Classification: Uncertain significance for Familial episodic pain syndrome with predominantly lower limb involvement; Hereditary sensory and autonomic neuropathy type 7. Last evaluated: 2024-10-10. Review status: criteria provided, single submitter. Criteria: Invitae Variant Classification Sherloc (09022015). Collection method: clinical testing. Allele origin: germline.
Comment: This variant, c.2354_2356del, results in the deletion of 1 amino acid(s) of the SCN11A protein (p.Ser785del), but otherwise preserves the integrity of the reading frame. This variant is present in population databases (rs757197374, gnomAD 0.02%). This variant has not been reported in the literature in individuals affected with SCN11A-related conditions. ClinVar contains an entry for this variant (Variation ID: 541572). Experimental studies and prediction algorithms are not available or were not evaluated, and the functional significance of this variant is currently unknown. In summary, the available evidence is currently insufficient to determine the role of this variant in disease. Therefore, it has been classified as a Variant of Uncertain Significance.

NM_001349253.2(SCN11A):c.2345CAT[3] (p.Ser785del)

Gene: SCN11A (sodium voltage-gated channel alpha subunit 11; minus strand). Cytogenetic location: 3p22.2.
Variant type: Microsatellite.
Coding change: c.2345CAT[3] on transcript NM_001349253.2 (MANE Select); three copies in a row of the 3-base unit CAT starting at c.2345; the reference has four copies in a row; one copy, 3 bases deleted.
Protein change: p.Ser785del; deletes serine 785.
Molecular consequence: inframe deletion.
Genome position (GRCh38, 1-based): chr3:38,896,892-38,896,894, ATG deleted on the plus strand (CAT on the coding strand, the reverse complement: SCN11A is on the minus strand); deleting any 3 consecutive bases within chr3:38,896,892-38,896,903 gives the same sequence; the position shown is the placement nearest the transcript's 3' end. VCF-style (leftmost placement, unchanged base first): chr3-38896891-AATG-A. GRCh37 (hg19) VCF-style: chr3-38938382-AATG-A.
Other names: c.2354_2356delCAT (NM_014139.2); c.2345CAT[3], p.Ser785del (NM_014139.3); short protein forms S785del.
Identifiers: ClinVar variation 541572 (VCV000541572.5), dbSNP rs757197374, ClinGen allele CA2322079.